The following is an entry in ClinVar:

NM_001040142.2(SCN2A):c.3446G>C (p.Gly1149Ala)

Gene: SCN2A (sodium voltage-gated channel alpha subunit 2; plus strand). Cytogenetic location: 2q24.3.
Variant type: single nucleotide variant.
Coding change: c.3446G>C on transcript NM_001040142.2 (MANE Select); coding-DNA position 3446, G replaced by C.
Protein change: p.Gly1149Ala; replaces glycine 1149 with alanine.
Molecular consequence: missense variant.
Genome position (GRCh38, 1-based): chr2:165,365,189, G>C. VCF-style: chr2-165365189-G-C. GRCh37 (hg19) VCF-style: chr2-166221699-G-C.
Other names: c.3446G>C, p.Gly1149Ala (NM_001040143.2, NM_001371246.1, NM_001371247.1 and 1 more transcripts); c.3446G>C (NM_021007.2); short protein forms G1149A.
Identifiers: ClinVar variation 2941530 (VCV002941530.5), dbSNP rs771772014, ClinGen allele CA1940108.

ClinVar aggregate classification (germline): Likely benign. Review status: criteria provided, multiple submitters, no conflicts (2 of 4 stars). 3 submissions from 3 submitters: Likely benign (3). Last evaluated 2025-12-21.

Conditions:
Inborn genetic diseases. Identifiers: MedGen C0950123, MeSH D030342.
SCN2A-related disorder. Also called: SCN2A-related condition; SCN2A-related disorders. Identifiers: MedGen CN382226, MONDO:1060245.
Developmental and epileptic encephalopathy, 11 (DEE11). Also called: Early infantile epileptic encephalopathy 11. Identifiers: Orphanet 1934, MedGen C3150987, MONDO:0013388, OMIM 613721.
Seizures, benign familial infantile, 3 (BFIS3). Also called: CONVULSIONS, BENIGN FAMILIAL INFANTILE, 3; Familial neonatal seizures. Identifiers: Orphanet 140927, Orphanet 306, MedGen C1843140, MONDO:0011904, OMIM 607745.

Allele frequency attached by ClinVar (database versions not stated): gnomAD 0.00001; ExAC 0.00002; TOPMed 0.00002; gnomAD exomes 0.00004.
gnomAD v4.1: 64 of 1,613,692 alleles (0.004%); highest among the groups gnomAD compares: Non-Finnish European, 0.0053%; no homozygotes.

Submissions (3):

Labcorp Genetics (formerly Invitae), Labcorp
Classification: Likely benign for Seizures, benign familial infantile, 3; Developmental and epileptic encephalopathy, 11. Last evaluated: 2025-12-21. Review status: criteria provided, single submitter. Criteria: Invitae Variant Classification Sherloc (09022015). Collection method: clinical testing. Allele origin: germline.

PreventionGenetics, part of Exact Sciences
Classification: Likely benign for SCN2A-related condition. Last evaluated: 2025-06-06. Review status: criteria provided, single submitter. Criteria: ACMG Guidelines, 2015. Collection method: clinical testing. Allele origin: germline.
Comment: This variant is classified as likely benign based on ACMG/AMP sequence variant interpretation guidelines (Richards et al. 2015 PMID: 25741868, with internal and published modifications).

Ambry Genetics
Classification: Likely benign for Inborn genetic diseases. Last evaluated: 2023-09-20. Review status: criteria provided, single submitter. Criteria: Ambry Variant Classification Scheme 2023. Collection method: clinical testing. Allele origin: germline.